The following is an entry in ClinVar:

ClinVar aggregate classification (germline): Pathogenic. Review status: criteria provided, single submitter (1 of 4 stars). 2 submissions from 2 submitters: Pathogenic (1). 1 of the submissions does not count toward it. Last evaluated 2025-06-17.

Conditions:
Neurofibromatosis, type 2 (SWNV). Also called: NF2-Related Schwannomatosis; BILATERAL ACOUSTIC NEUROFIBROMATOSIS; SCHWANNOMATOSIS, VESTIBULAR. Identifiers: Orphanet 637, MedGen C0027832, MONDO:0007039, OMIM 101000. Disease mechanism: loss of function.

Submissions (2):

Institute for Genomic Medicine (IGM) Clinical Laboratory, Nationwide Children's Hospital
Classification: Pathogenic for Neurofibromatosis, type 2. Last evaluated: 2025-06-17. Review status: criteria provided, single submitter. Criteria: ACMG Guidelines, 2015. Collection method: clinical testing. Allele origin: germline.
Comment: This variant is predicted to result in loss of function through nonsense-mediated decay of the encoded transcript or premature truncation of the encoded protein in a gene in which loss of function is a known mechanism of disease (ACMG/AMP: PVS1; PMIDs:9643284, 16983642). This variant has been reported at an elevated frequency in affected individuals/in multiple affected individuals in the literature (ACMG/AMP: PS4_Supporting; PMID:7913580). This variant is absent from or present at an exceedingly low frequency in gnomAD, a large-scale control population database (ACMG/AMP: PM2).

OMIM
Classification: Pathogenic for SHWANNOMATOSIS, VESTIBULAR. Last evaluated: 1994-08-01. Review status: no assertion criteria provided. Collection method: literature only. Allele origin: germline. Not counted in ClinVar's aggregate classification.

Literature cited by the submitters: PubMed 9643284 (cited by Institute for Genomic Medicine (IGM) Clinical Laboratory, Nationwide Children's Hospital); PubMed 16983642 (cited by Institute for Genomic Medicine (IGM) Clinical Laboratory, Nationwide Children's Hospital); PubMed 7913580 (cited by Institute for Genomic Medicine (IGM) Clinical Laboratory, Nationwide Children's Hospital and OMIM).

NM_000268.4(NF2):c.544G>T (p.Glu182Ter)

Gene: NF2 (NF2, moesin-ezrin-radixin like (MERLIN) tumor suppressor; plus strand). Cytogenetic location: 22q12.2.
Variant type: single nucleotide variant.
Coding change: c.544G>T on transcript NM_000268.4 (MANE Select); coding-DNA position 544, G replaced by T.
Protein change: p.Glu182Ter; replaces glutamic acid 182 with a stop codon.
Molecular consequence: nonsense. On other transcripts: non-coding transcript variant (1), intron variant (1).
Genome position (GRCh38, 1-based): chr22:29,655,621, G>T. VCF-style: chr22-29655621-G-T. GRCh37 (hg19) VCF-style: chr22-30051610-G-T.
Other names: c.544G>T, p.Glu182Ter (NM_016418.5, NM_181825.3, NM_181832.3); c.418G>T, p.Glu140Ter (NM_181828.3); c.421G>T, p.Glu141Ter (NM_181829.3); c.295G>T, p.Glu99Ter (NM_181830.3, NM_181831.3); c.447+13336G>T (NM_181833.3); short protein forms E182*, E141*, E140*, E99*.
Identifiers: ClinVar variation 3289 (VCV000003289.3), dbSNP rs74315495, ClinGen allele CA021432.